The following is an entry in ClinVar:

NM_018062.4(FANCL):c.200A>G (p.His67Arg)

Gene: FANCL (FA complementation group L; minus strand). Cytogenetic location: 2p16.1.
Variant type: single nucleotide variant.
Coding change: c.200A>G on transcript NM_018062.4 (MANE Select); coding-DNA position 200, A replaced by G.
Protein change: p.His67Arg; replaces histidine 67 with arginine.
Molecular consequence: missense variant.
Genome position (GRCh38, 1-based): chr2:58,229,830, T>C on the plus strand (A>G on the coding strand, the complement: FANCL is on the minus strand). VCF-style: chr2-58229830-T-C. GRCh37 (hg19) VCF-style: chr2-58456965-T-C.
Other names: c.200A>G, p.His67Arg (NM_001114636.2, NM_001374615.1, NM_001410792.1); short protein forms H67R.
Identifiers: ClinVar variation 2195835 (VCV002195835.4), dbSNP rs750109791, ClinGen allele CA1670758.

ClinVar aggregate classification (germline): Uncertain significance (1 of 4 stars; one submission).

Conditions:
Fanconi anemia (FA). Also called: Fanconi's anemia. Identifiers: Orphanet 84, MedGen C0015625, MeSH D005199, MONDO:0019391.

Allele frequency attached by ClinVar (database versions not stated): gnomAD exomes below 0.00001; TOPMed below 0.00001; ExAC 0.00001; gnomAD 0.00001.
gnomAD v4.1: 3 of 1,610,126 alleles (0.00019%); highest among the groups gnomAD compares: East Asian, 0.0022%; no homozygotes.

Submission:

Labcorp Genetics (formerly Invitae), Labcorp
Classification: Uncertain significance for Fanconi anemia. Last evaluated: 2024-01-08. Review status: criteria provided, single submitter. Criteria: Invitae Variant Classification Sherloc (09022015). Collection method: clinical testing. Allele origin: germline.
Comment: This sequence change replaces histidine, which is basic and polar, with arginine, which is basic and polar, at codon 67 of the FANCL protein (p.His67Arg). This variant is present in population databases (rs750109791, gnomAD 0.01%). This variant has not been reported in the literature in individuals affected with FANCL-related conditions. ClinVar contains an entry for this variant (Variation ID: 2195835). Advanced modeling of protein sequence and biophysical properties (such as structural, functional, and spatial information, amino acid conservation, physicochemical variation, residue mobility, and thermodynamic stability) performed at Invitae indicates that this missense variant is not expected to disrupt FANCL protein function with a negative predictive value of 80%. In summary, the available evidence is currently insufficient to determine the role of this variant in disease. Therefore, it has been classified as a Variant of Uncertain Significance.